The following is an entry in ClinVar:

NM_012123.4(MTO1):c.1763A>C (p.Tyr588Ser)

Gene: MTO1 (mitochondrial tRNA translation optimization 1; plus strand). Cytogenetic location: 6q13.
Variant type: single nucleotide variant.
Coding change: c.1763A>C on transcript NM_012123.4 (MANE Select); coding-DNA position 1763, A replaced by C.
Protein change: p.Tyr588Ser; replaces tyrosine 588 with serine.
Molecular consequence: missense variant.
Genome position (GRCh38, 1-based): chr6:73,497,742, A>C. VCF-style: chr6-73497742-A-C. GRCh37 (hg19) VCF-style: chr6-74207465-A-C.
Other names: c.1883A>C, p.Tyr628Ser (NM_001123226.2); c.1838A>C, p.Tyr613Ser (NM_133645.3); short protein forms Y628S, Y613S, Y588S.
Identifiers: ClinVar variation 3654681 (VCV003654681.2).

ClinVar aggregate classification (germline): Uncertain significance (1 of 4 stars; one submission).

Conditions:
Mitochondrial hypertrophic cardiomyopathy with lactic acidosis due to MTO1 deficiency. Also called: CARDIOMYOPATHY, INFANTILE HYPERTROPHIC MITOCHONDRIAL, AND LACTIC ACIDOSIS; Combined oxidative phosphorylation deficiency 10. Identifiers: Orphanet 314637, MedGen C4749921, MONDO:0013865, OMIM 614702.

Submission:

Labcorp Genetics (formerly Invitae), Labcorp
Classification: Uncertain significance for Mitochondrial hypertrophic cardiomyopathy with lactic acidosis due to MTO1 deficiency. Last evaluated: 2024-07-01. Review status: criteria provided, single submitter. Criteria: Invitae Variant Classification Sherloc (09022015). Collection method: clinical testing. Allele origin: germline.
Comment: This sequence change replaces tyrosine, which is neutral and polar, with serine, which is neutral and polar, at codon 588 of the MTO1 protein (p.Tyr588Ser). This variant is not present in population databases (gnomAD no frequency). This variant has not been reported in the literature in individuals affected with MTO1-related conditions. Advanced modeling of protein sequence and biophysical properties (such as structural, functional, and spatial information, amino acid conservation, physicochemical variation, residue mobility, and thermodynamic stability) has been performed at Invitae for this missense variant, however the output from this modeling did not meet the statistical confidence thresholds required to predict the impact of this variant on MTO1 protein function. In summary, the available evidence is currently insufficient to determine the role of this variant in disease. Therefore, it has been classified as a Variant of Uncertain Significance.